The following is an entry in ClinVar:

ClinVar aggregate classification (germline): Likely benign (1 of 4 stars; one submission).

Conditions:
CIC-related disorder. Also called: CIC-related condition.

gnomAD v4.1: 23 of 398,464 alleles (0.0058%); highest among the groups gnomAD compares: African/African-American, 0.027%; no homozygotes.

Submission:

PreventionGenetics, part of Exact Sciences
Classification: Likely benign for CIC-related condition. Last evaluated: 2025-02-10. Review status: criteria provided, single submitter. Criteria: ACMG Guidelines, 2015. Collection method: clinical testing. Allele origin: germline.
Comment: This variant is classified as likely benign based on ACMG/AMP sequence variant interpretation guidelines (Richards et al. 2015 PMID: 25741868, with internal and published modifications).

NM_001386298.1(CIC):c.745G>A (p.Ala249Thr)

Gene: CIC (capicua transcriptional repressor; plus strand). Cytogenetic location: 19q13.2.
Variant type: single nucleotide variant.
Coding change: c.745G>A on transcript NM_001386298.1 (MANE Select); coding-DNA position 745, G replaced by A.
Protein change: p.Ala249Thr; replaces alanine 249 with threonine.
Molecular consequence: missense variant.
Genome position (GRCh38, 1-based): chr19:42,272,528, G>A. VCF-style: chr19-42272528-G-A. GRCh37 (hg19) VCF-style: chr19-42776680-G-A.
Other names: c.745G>A, p.Ala249Thr (NM_001304815.2, NM_001379480.1, NM_001379482.1 and 6 more transcripts); short protein forms A249T.
Identifiers: ClinVar variation 4977804 (VCV004977804.1).